The following is an entry in ClinVar:

NM_000270.4(PNP):c.-96G>A

Gene: PNP (purine nucleoside phosphorylase; plus strand). Cytogenetic location: 14q11.2.
Variant type: single nucleotide variant.
Coding change: c.-96G>A on transcript NM_000270.4 (MANE Select); 96 bases upstream of the start codon, G replaced by A.
Molecular consequence: 5 prime UTR variant.
Genome position (GRCh38, 1-based): chr14:20,469,429, G>A. VCF-style: chr14-20469429-G-A. GRCh37 (hg19) VCF-style: chr14-20937588-G-A.
Identifiers: ClinVar variation 312724 (VCV000312724.6), dbSNP rs17881206, ClinGen allele CA10639845.

ClinVar aggregate classification (germline): Benign. Review status: criteria provided, multiple submitters, no conflicts (2 of 4 stars). 2 submissions from 2 submitters: Benign (2). Last evaluated 2018-01-12.

Conditions:
Purine-nucleoside phosphorylase deficiency. Also called: NUCLEOSIDE PHOSPHORYLASE DEFICIENCY; Immunodeficiency due to purine nucleoside phosphorylase deficiency. Identifiers: Orphanet 760, MedGen C0268125, MONDO:0013171, OMIM 613179.

Allele frequency attached by ClinVar (database versions not stated): gnomAD 0.00309; 1000 Genomes Project 30x 0.00547; 1000 Genomes Project 0.00579.
gnomAD v4.1: 7,723 of 1,499,862 alleles (0.51%); highest among the groups gnomAD compares: South Asian, 1.9%; 70 homozygotes.

Submissions (2):

Illumina Laboratory Services, Illumina
Classification: Benign for Purine-nucleoside phosphorylase deficiency. Last evaluated: 2018-01-12. Review status: criteria provided, single submitter. Criteria: ICSL Variant Classification Criteria 13 December 2019. Collection method: clinical testing. Allele origin: germline.
Comment: This variant was observed in the ICSL laboratory as part of a predisposition screen in an ostensibly healthy population. It had not been previously curated by ICSL or reported in the Human Gene Mutation Database (HGMD: prior to June 1st, 2018), and was therefore a candidate for classification through an automated scoring system. Utilizing variant allele frequency, disease prevalence and penetrance estimates, and inheritance mode, an automated score was calculated to assess if this variant is too frequent to cause the disease. Based on the score and internal cut-off values, a variant classified as benign is not then subjected to further curation. The score for this variant resulted in a classification of benign for this disease.

Breakthrough Genomics
Classification: Benign. Review status: criteria provided, single submitter. Criteria: ACMG Guidelines, 2015. Collection method: not provided. Allele origin: germline. Inheritance: Autosomal recessive inheritance. Affected: yes.